The following is an entry in ClinVar:

ClinVar aggregate classification (germline): Benign/Likely benign. Review status: criteria provided, multiple submitters, no conflicts (2 of 4 stars). 4 submissions from 4 submitters: Benign (1); Likely benign (3). Last evaluated 2025-11-17.

Conditions:
Juvenile polyposis syndrome (JPS). Identifiers: Orphanet 2929, MedGen C0345893, MONDO:0017380, OMIM 174900.
Hereditary cancer-predisposing syndrome. Also called: Neoplastic Syndromes, Hereditary; Hereditary neoplastic syndrome; Tumor predisposition; Hereditary Cancer Syndrome. Identifiers: Orphanet 140162, MedGen C0027672, MeSH D009386, MONDO:0015356.

Submissions (4):

Labcorp Genetics (formerly Invitae), Labcorp
Classification: Likely benign for Juvenile polyposis syndrome. Last evaluated: 2025-11-17. Review status: criteria provided, single submitter. Criteria: Invitae Variant Classification Sherloc (09022015). Collection method: clinical testing. Allele origin: germline.

Color Diagnostics, LLC DBA Color Health
Classification: Likely benign for Hereditary cancer-predisposing syndrome. Last evaluated: 2025-07-20. Review status: criteria provided, single submitter. Criteria: ACMG Guidelines, 2015. Collection method: clinical testing. Allele origin: germline.

Myriad Genetics, Inc.
Classification: Benign for Juvenile polyposis syndrome. Last evaluated: 2024-08-05. Review status: criteria provided, single submitter. Criteria: Myriad Autosomal Dominant, Autosomal Recessive and X-Linked Classification Criteria (2023). Collection method: clinical testing. Allele origin: unknown.
Comment: This variant is considered benign. This variant is a silent/synonymous amino acid change and it is not expected to impact splicing.

Ambry Genetics
Classification: Likely benign for Hereditary cancer-predisposing syndrome. Last evaluated: 2023-11-16. Review status: criteria provided, single submitter. Criteria: Ambry Variant Classification Scheme 2023. Collection method: clinical testing. Allele origin: germline.

NM_004329.3(BMPR1A):c.735T>C (p.Tyr245=)

Gene: BMPR1A (bone morphogenetic protein receptor type 1A; plus strand). Cytogenetic location: 10q23.2.
Variant type: single nucleotide variant.
Coding change: c.735T>C on transcript NM_004329.3 (MANE Select); coding-DNA position 735, T replaced by C.
Protein change: p.Tyr245=; no amino-acid change (tyrosine 245 retained).
Molecular consequence: synonymous variant.
Genome position (GRCh38, 1-based): chr10:86,917,193, T>C. VCF-style: chr10-86917193-T-C. GRCh37 (hg19) VCF-style: chr10-88676950-T-C.
Identifiers: ClinVar variation 529963 (VCV000529963.13), dbSNP rs1131691182, ClinGen allele CA470308000.